The following is an entry in ClinVar:

ClinVar aggregate classification (germline): Uncertain significance (1 of 4 stars; one submission).

Submission:

GeneDx
Classification: Uncertain significance. Last evaluated: 2024-05-01. Review status: criteria provided, single submitter. Criteria: GeneDx Variant Classification Process June 2021. Collection method: clinical testing. Allele origin: germline. Affected: yes.
Comment: Not observed at significant frequency in large population cohorts (gnomAD); In silico analysis indicates that this missense variant does not alter protein structure/function; Has not been previously published as pathogenic or benign to our knowledge

NM_170675.5(MEIS2):c.434A>G (p.Asn145Ser)

Gene: MEIS2 (Meis homeobox 2; minus strand). Cytogenetic location: 15q14.
Variant type: single nucleotide variant.
Coding change: c.434A>G on transcript NM_170675.5 (MANE Select); coding-DNA position 434, A replaced by G.
Protein change: p.Asn145Ser; replaces asparagine 145 with serine.
Molecular consequence: missense variant. On other transcripts: non-coding transcript variant (1).
Genome position (GRCh38, 1-based): chr15:37,095,568, T>C on the plus strand (A>G on the coding strand, the complement: MEIS2 is on the minus strand). VCF-style: chr15-37095568-T-C. GRCh37 (hg19) VCF-style: chr15-37387769-T-C.
Other names: c.434A>G, p.Asn145Ser (NM_001220482.2, NM_170674.5, NM_170676.5 and 1 more transcripts); c.395A>G, p.Asn132Ser (NM_002399.4, NM_172315.3); c.170A>G, p.Asn57Ser (NM_172316.3); short protein forms N132S, N145S, N57S.
Identifiers: ClinVar variation 3373174 (VCV003373174.1).